The following is an entry in ClinVar:

ClinVar aggregate classification (germline): Conflicting classifications of pathogenicity. Review status: criteria provided, conflicting classifications (1 of 4 stars). 10 submissions from 10 submitters: Uncertain significance (5); Likely benign (5). Last evaluated 2026-08-17.

Conditions:
MYBPC3-related disorder. Also called: MYBPC3-related disorders; MYBPC3-related condition; MYBPC3-related disease.
Primary dilated cardiomyopathy (DCM). Also called: Dilated Cardiomyopathy. Identifiers: Orphanet 217604, MedGen C0007193, MeSH D002311, MONDO:0005021, HP:0001644. Inheritance: Various modes of inheritance.
Left ventricular noncompaction 1 (LVNC1). Also called: LEFT VENTRICULAR NONCOMPACTION 1 WITH OR WITHOUT CONGENITAL HEART DEFECTS. Identifiers: Orphanet 54260, MedGen C1858725, MONDO:0011403, OMIM 604169.
Hypertrophic cardiomyopathy 4. Also called: Familial hypertrophic cardiomyopathy 4. Identifiers: MedGen C1861862, MONDO:0007268, OMIM 115197.
Cardiovascular phenotype. Identifiers: MedGen CN230736.
Left ventricular noncompaction 10 (LVNC10). Identifiers: Orphanet 154, Orphanet 54260, MedGen C3715165, MONDO:0014163, OMIM 615396.
Primary familial dilated cardiomyopathy (FDC). Also called: Familial dilated cardiomyopathy; Hypokinetic dilated cardiomyopathy, familial. Identifiers: Orphanet 217607, MedGen C0340427, MONDO:0016333.
Cardiomyopathy (CMYO). Also called: Cardiomyopathies. Identifiers: Orphanet 167848, MedGen C0878544, MONDO:0004994, HP:0001638. Inheritance: Various modes of inheritance.
Hypertrophic cardiomyopathy. Also called: HYPERTROPHIC MYOCARDIOPATHY. Identifiers: Orphanet 217569, MedGen C0007194, MeSH D002312, MONDO:0005045, HP:0001639.

Allele frequency attached by ClinVar (database versions not stated): TOPMed 0.00002; ExAC 0.00015; 1000 Genomes Project 0.00040; 1000 Genomes Project 30x 0.00047.
gnomAD v4.1: 80 of 1,552,820 alleles (0.0052%); highest among the groups gnomAD compares: Middle Eastern, 0.089%; no homozygotes.

Submissions (10):

PreventionGenetics, part of Exact Sciences
Classification: Uncertain significance for MYBPC3-related condition. Last evaluated: 2026-08-17. Review status: criteria provided, single submitter. Criteria: ACMG Guidelines, 2015. Collection method: clinical testing. Allele origin: germline.
Comment: The MYBPC3 c.362C>T variant is predicted to result in the amino acid substitution p.Pro121Leu. This variant has been reported in an individual with hypertrophic cardiomyopathy (Table S3, Helms et al. 2020. PubMed ID: 32841044). This variant is reported in 0.0094% of alleles in individuals of South Asian descent in gnomAD. At this time, the clinical significance of this variant is uncertain due to the absence of conclusive functional and genetic evidence.

Labcorp Genetics (formerly Invitae), Labcorp
Classification: Uncertain significance for Hypertrophic cardiomyopathy. Last evaluated: 2025-12-19. Review status: criteria provided, single submitter. Criteria: Invitae Variant Classification Sherloc (09022015). Collection method: clinical testing. Allele origin: germline.
Comment: This sequence change replaces proline, which is neutral and non-polar, with leucine, which is neutral and non-polar, at codon 121 of the MYBPC3 protein (p.Pro121Leu). The frequency data for this variant in the population databases is considered unreliable, as metrics indicate poor data quality at this position in the gnomAD database. This missense change has been observed in individual(s) with hypertrophic cardiomyopathy (PMID: 32841044). ClinVar contains an entry for this variant (Variation ID: 450709). An algorithm developed to predict the effect of missense changes on protein structure and function outputs the following: PolyPhen-2: "Benign". The leucine amino acid residue is found in multiple mammalian species, which suggests that this missense change does not adversely affect protein function. In summary, the available evidence is currently insufficient to determine the role of this variant in disease. Therefore, it has been classified as a Variant of Uncertain Significance.

Color Diagnostics, LLC DBA Color Health
Classification: Likely benign for Cardiomyopathy. Last evaluated: 2025-12-11. Review status: criteria provided, single submitter. Criteria: ACMG Guidelines, 2015. Collection method: clinical testing. Allele origin: germline.

GeneDx
Classification: Uncertain significance. Last evaluated: 2025-11-06. Review status: criteria provided, single submitter. Criteria: GeneDx Variant Classification Process June 2021. Collection method: clinical testing. Allele origin: germline. Affected: yes.
Comment: In silico analysis supports that this missense variant has a deleterious effect on protein structure/function; This variant is associated with the following publications: (PMID: 32841044, 28679633)

All of Us Research Program, National Institutes of Health
Classification: Likely benign for Hypertrophic cardiomyopathy. Last evaluated: 2024-08-08. Review status: criteria provided, single submitter. Criteria: ACMG Guidelines, 2015. Collection method: clinical testing. Allele origin: germline. Inheritance: Autosomal dominant inheritance. Observed: 21 variant alleles, 21 heterozygotes.
Comment: This study involves interpretation of variants in research participants for the purpose of population health screening. Participant phenotype was not available at the time of variant classification. Additional details can be found in publication PMID: 35346344, PMCID: PMC8962531

Blueprint Genetics
Classification: Likely benign. Last evaluated: 2024-08-08. Review status: criteria provided, single submitter. Criteria: ACMG Guidelines, 2015. Collection method: clinical testing. Allele origin: germline.

Department of Pathology and Laboratory Medicine, Sinai Health System
Classification: Likely benign for Hypertrophic cardiomyopathy 4; Left ventricular noncompaction 10. Last evaluated: 2022-05-03. Review status: criteria provided, single submitter. Criteria: ACMG Guidelines, 2015. Collection method: research. Allele origin: germline.

CHEO Genetics Diagnostic Laboratory, Children's Hospital of Eastern Ontario
Classification: Uncertain significance for Cardiomyopathy. Last evaluated: 2021-08-20. Review status: criteria provided, single submitter. Criteria: ACMG Guidelines, 2015. Collection method: clinical testing. Allele origin: germline.

Ambry Genetics
Classification: Likely benign for Cardiovascular phenotype. Last evaluated: 2019-01-28. Review status: criteria provided, single submitter. Criteria: Ambry Variant Classification Scheme 2023. Collection method: clinical testing. Allele origin: germline.

Molecular Diagnostic Laboratory for Inherited Cardiovascular Disease, Montreal Heart Institute
Classification: Uncertain significance for Familial dilated cardiomyopathy. Review status: criteria provided, single submitter. Criteria: ACMG Guidelines, 2015. Collection method: clinical testing. Allele origin: germline. Affected: yes.

Literature cited by the submitters: PubMed 32841044 (cited by Labcorp Genetics (formerly Invitae), Labcorp).

NM_000256.3(MYBPC3):c.362C>T (p.Pro121Leu)

Gene: MYBPC3 (myosin binding protein C3; minus strand). Cytogenetic location: 11p11.2.
Variant type: single nucleotide variant.
Coding change: c.362C>T on transcript NM_000256.3 (MANE Select); coding-DNA position 362, C replaced by T.
Protein change: p.Pro121Leu; replaces proline 121 with leucine.
Molecular consequence: missense variant.
Genome position (GRCh38, 1-based): chr11:47,350,546, G>A on the plus strand (C>T on the coding strand, the complement: MYBPC3 is on the minus strand). VCF-style: chr11-47350546-G-A. GRCh37 (hg19) VCF-style: chr11-47372097-G-A.
Other names: c.362C>T, p.Pro121Leu (LRG_386t1); short protein forms P121L.
Identifiers: ClinVar variation 450709 (VCV000450709.29), dbSNP rs551888783, ClinGen allele CA054574.